The following is an entry in ClinVar:

ClinVar aggregate classification (germline): Likely benign (1 of 4 stars; one submission).

Submission:

CeGaT Center for Human Genetics Tuebingen
Classification: Likely benign. Last evaluated: 2025-05-01. Review status: criteria provided, single submitter. Criteria: CeGaT Center For Human Genetics Tuebingen Variant Classification Criteria Version 2. Collection method: clinical testing. Allele origin: germline. Affected: yes. Observed: 1 variant allele.
Comment: NOVA2: BP4, BP7

NM_002516.4(NOVA2):c.1398G>A (p.Thr466=)

Gene: NOVA2 (NOVA alternative splicing regulator 2; minus strand). Cytogenetic location: 19q13.32.
Variant type: single nucleotide variant.
Coding change: c.1398G>A on transcript NM_002516.4 (MANE Select); coding-DNA position 1398, G replaced by A.
Protein change: p.Thr466=; no amino-acid change (threonine 466 retained).
Molecular consequence: synonymous variant.
Genome position (GRCh38, 1-based): chr19:45,939,944, C>T on the plus strand (G>A on the coding strand, the complement: NOVA2 is on the minus strand). VCF-style: chr19-45939944-C-T. GRCh37 (hg19) VCF-style: chr19-46443202-C-T.
Identifiers: ClinVar variation 3905712 (VCV003905712.10).